The following is an entry in ClinVar:

NM_000257.4(MYH7):c.2616G>T (p.Glu872Asp)

Genes: MYH7 (myosin heavy chain 7; minus strand), LOC126861898 (BRD4-independent group 4 enhancer GRCh37_chr14:23893609-23894808; plus strand). Cytogenetic location: 14q11.2.
Variant type: single nucleotide variant.
Coding change: c.2616G>T on transcript NM_000257.4 (MANE Select); coding-DNA position 2616, G replaced by T.
Protein change: p.Glu872Asp; replaces glutamic acid 872 with aspartic acid.
Molecular consequence: missense variant.
Genome position (GRCh38, 1-based): chr14:23,424,832, C>A on the plus strand (G>T on the coding strand, the complement: MYH7 is on the minus strand). VCF-style: chr14-23424832-C-A. GRCh37 (hg19) VCF-style: chr14-23894041-C-A.
Other names: c.2616G>T, p.Glu872Asp (NM_001407004.1); short protein forms E872D.
Identifiers: ClinVar variation 3894197 (VCV003894197.1).

ClinVar aggregate classification (germline): Uncertain significance (1 of 4 stars; one submission).

Conditions:
Cardiomyopathy (CMYO). Also called: Cardiomyopathies. Identifiers: Orphanet 167848, MedGen C0878544, MONDO:0004994, HP:0001638. Inheritance: Various modes of inheritance.

Submission:

Color Diagnostics, LLC DBA Color Health
Classification: Uncertain significance for Cardiomyopathy. Last evaluated: 2025-01-19. Review status: criteria provided, single submitter. Criteria: ACMG Guidelines, 2015. Collection method: clinical testing. Allele origin: germline.
Comment: This missense variant replaces glutamic acid with aspartic acid at codon 872 of the MYH7 protein. Computational prediction is inconclusive regarding the impact of this variant on protein structure and function (internally defined REVEL score threshold 0.5 < inconclusive < 0.7, PMID: 27666373). To our knowledge, functional studies have not been reported for this variant. This variant has not been reported in individuals affected with MYH7-related disorders in the literature. This variant has not been identified in the general population by the Genome Aggregation Database (gnomAD). The available evidence is insufficient to determine the role of this variant in disease conclusively. Therefore, this variant is classified as a Variant of Uncertain Significance.